The following is an entry in ClinVar:

ClinVar aggregate classification (germline): Uncertain significance (1 of 4 stars; one submission).

Submission:

Labcorp Genetics (formerly Invitae), Labcorp
Classification: Uncertain significance. Last evaluated: 2024-07-06. Review status: criteria provided, single submitter. Criteria: Invitae Variant Classification Sherloc (09022015). Collection method: clinical testing. Allele origin: germline.
Comment: This sequence change replaces tryptophan, which is neutral and slightly polar, with leucine, which is neutral and non-polar, at codon 900 of the COL7A1 protein (p.Trp900Leu). This variant is present in population databases (no rsID available, gnomAD 0.0009%). This variant has not been reported in the literature in individuals affected with COL7A1-related conditions. Advanced modeling of protein sequence and biophysical properties (such as structural, functional, and spatial information, amino acid conservation, physicochemical variation, residue mobility, and thermodynamic stability) has been performed at Invitae for this missense variant, however the output from this modeling did not meet the statistical confidence thresholds required to predict the impact of this variant on COL7A1 protein function. In summary, the available evidence is currently insufficient to determine the role of this variant in disease. Therefore, it has been classified as a Variant of Uncertain Significance.

NM_000094.4(COL7A1):c.2699G>T (p.Trp900Leu)

Gene: COL7A1 (collagen type VII alpha 1 chain; minus strand). Cytogenetic location: 3p21.31.
Variant type: single nucleotide variant.
Coding change: c.2699G>T on transcript NM_000094.4 (MANE Select); coding-DNA position 2699, G replaced by T.
Protein change: p.Trp900Leu; replaces tryptophan 900 with leucine.
Molecular consequence: missense variant.
Genome position (GRCh38, 1-based): chr3:48,588,293, C>A on the plus strand (G>T on the coding strand, the complement: COL7A1 is on the minus strand). VCF-style: chr3-48588293-C-A. GRCh37 (hg19) VCF-style: chr3-48625726-C-A.
Other names: short protein forms W900L.
Identifiers: ClinVar variation 3627180 (VCV003627180.2).